The following is an entry in ClinVar:

ClinVar aggregate classification (germline): Likely pathogenic (1 of 4 stars; one submission).

Submission:

GeneDx
Classification: Likely pathogenic. Last evaluated: 2026-02-22. Review status: criteria provided, single submitter. Criteria: GeneDx Variant Classification Process June 2021. Collection method: clinical testing. Allele origin: germline.
Comment: Reported with a second variant (phase unknown) in a patient with von Willebrand disease in published literature (PMID: 23311757); Nonsense variant predicted to result in protein truncation or nonsense mediated decay in a gene for which loss of function is a known mechanism of disease; Not observed at significant frequency in large population cohorts (gnomAD); This variant is associated with the following publications: (PMID: 32073731, 35466528, 23311757)

NM_000552.5(VWF):c.1255C>T (p.Gln419Ter)

Gene: VWF (von Willebrand factor; minus strand). Cytogenetic location: 12p13.31.
Variant type: single nucleotide variant.
Coding change: c.1255C>T on transcript NM_000552.5 (MANE Select); coding-DNA position 1255, C replaced by T.
Protein change: p.Gln419Ter; replaces glutamine 419 with a stop codon.
Molecular consequence: nonsense.
Genome position (GRCh38, 1-based): chr12:6,065,175, G>A on the plus strand (C>T on the coding strand, the complement: VWF is on the minus strand). VCF-style: chr12-6065175-G-A. GRCh37 (hg19) VCF-style: chr12-6174341-G-A.
Other names: short protein forms Q419*.
Identifiers: ClinVar variation 4887829 (VCV004887829.1).